The following is an entry in ClinVar:

ClinVar aggregate classification (germline): Conflicting classifications of pathogenicity. Review status: criteria provided, conflicting classifications (1 of 4 stars). 6 submissions from 6 submitters: Uncertain significance (4); Likely benign (1). 1 of the submissions does not count toward it. Last evaluated 2026-01-13.

Conditions:
ATP6V1B1-related disorder. Also called: ATP6V1B1-related condition.
Renal tubular acidosis with progressive nerve deafness. Also called: Distal Renal Tubular Acidosis with Progressive Sensorineural Deafness; RENAL TUBULAR ACIDOSIS, AUTOSOMAL RECESSIVE, WITH PROGRESSIVE NERVE DEAFNESS; RTA WITH PROGRESSIVE NERVE DEAFNESS; renal tubular acidosis, distal, 2, with progressive sensorineural hearing loss. Identifiers: MedGen C0403554, MONDO:0009968, OMIM 267300.

Allele frequency attached by ClinVar (database versions not stated): gnomAD 0.00002 and 0.00011; TOPMed 0.00002; ExAC 0.00034; 1000 Genomes Project 30x 0.00094; 1000 Genomes Project 0.00100.
gnomAD v4.1: 214 of 1,613,992 alleles (0.013%); highest among the groups gnomAD compares: South Asian, 0.21%; no homozygotes.

Submissions (6):

Labcorp Genetics (formerly Invitae), Labcorp
Classification: Likely benign. Last evaluated: 2026-01-13. Review status: criteria provided, single submitter. Criteria: Invitae Variant Classification Sherloc (09022015). Collection method: clinical testing. Allele origin: germline.

CeGaT Center for Human Genetics Tuebingen
Classification: Uncertain significance. Last evaluated: 2024-12-01. Review status: criteria provided, single submitter. Criteria: CeGaT Center For Human Genetics Tuebingen Variant Classification Criteria Version 2. Collection method: clinical testing. Allele origin: germline. Affected: yes. Observed: 1 variant allele.
Comment: ATP6V1B1: PM2, PP3

Blueprint Genetics
Classification: Uncertain significance. Last evaluated: 2024-01-19. Review status: criteria provided, single submitter. Criteria: ACMG Guidelines, 2015. Collection method: clinical testing. Allele origin: germline.

Illumina Laboratory Services, Illumina
Classification: Uncertain significance for Renal tubular acidosis with progressive nerve deafness. Last evaluated: 2018-01-12. Review status: criteria provided, single submitter. Criteria: ICSL Variant Classification Criteria 13 December 2019. Collection method: clinical testing. Allele origin: germline.

Eurofins Ntd Llc (ga)
Classification: Uncertain significance. Last evaluated: 2017-03-09. Review status: criteria provided, single submitter. Criteria: EGL Classification Definitions 2015. Collection method: clinical testing. Allele origin: germline. Observed: 1 variant allele, 1 heterozygote.

PreventionGenetics, part of Exact Sciences
Classification: Likely benign for ATP6V1B1-related condition. Last evaluated: 2024-08-09. Review status: no assertion criteria provided. Collection method: clinical testing. Allele origin: germline. Not counted in ClinVar's aggregate classification.
Comment: This variant is classified as likely benign based on ACMG/AMP sequence variant interpretation guidelines (Richards et al. 2015 PMID: 25741868, with internal and published modifications).

NM_001692.4(ATP6V1B1):c.1276G>A (p.Val426Met)

Gene: ATP6V1B1 (ATPase H+ transporting V1 subunit B1; plus strand). Cytogenetic location: 2p13.3.
Variant type: single nucleotide variant.
Coding change: c.1276G>A on transcript NM_001692.4 (MANE Select); coding-DNA position 1276, G replaced by A.
Protein change: p.Val426Met; replaces valine 426 with methionine.
Molecular consequence: missense variant.
Genome position (GRCh38, 1-based): chr2:70,964,763, G>A. VCF-style: chr2-70964763-G-A. GRCh37 (hg19) VCF-style: chr2-71191893-G-A.
Other names: short protein forms V426M.
Identifiers: ClinVar variation 336925 (VCV000336925.35), dbSNP rs531239712, ClinGen allele CA1701326.